The following is an entry in ClinVar:

ClinVar aggregate classification (germline): Uncertain significance. Review status: criteria provided, multiple submitters, no conflicts (2 of 4 stars). 2 submissions from 2 submitters: Uncertain significance (2). Last evaluated 2024-05-24.

Allele frequency attached by ClinVar (database versions not stated): gnomAD 0.00005 and 0.00006; gnomAD exomes 0.00005 and 0.00006; TOPMed 0.00005; ExAC 0.00009.
gnomAD v4.1: 73 of 1,613,456 alleles (0.0045%); highest among the groups gnomAD compares: South Asian, 0.0066%; no homozygotes.

Submissions (2):

Blueprint Genetics
Classification: Uncertain significance. Last evaluated: 2024-05-24. Review status: criteria provided, single submitter. Criteria: ACMG Guidelines, 2015. Collection method: clinical testing. Allele origin: germline.

Labcorp Genetics (formerly Invitae), Labcorp
Classification: Uncertain significance. Last evaluated: 2024-02-19. Review status: criteria provided, single submitter. Criteria: Invitae Variant Classification Sherloc (09022015). Collection method: clinical testing. Allele origin: germline.
Comment: This sequence change replaces glycine, which is neutral and non-polar, with arginine, which is basic and polar, at codon 238 of the ARSG protein (p.Gly238Arg). This variant is present in population databases (rs760367177, gnomAD 0.01%). This variant has not been reported in the literature in individuals affected with ARSG-related conditions. ClinVar contains an entry for this variant (Variation ID: 858648). Advanced modeling of protein sequence and biophysical properties (such as structural, functional, and spatial information, amino acid conservation, physicochemical variation, residue mobility, and thermodynamic stability) performed at Invitae indicates that this missense variant is not expected to disrupt ARSG protein function with a negative predictive value of 80%. In summary, the available evidence is currently insufficient to determine the role of this variant in disease. Therefore, it has been classified as a Variant of Uncertain Significance.

NM_001267727.2(ARSG):c.712G>A (p.Gly238Arg)

Gene: ARSG (arylsulfatase G; plus strand). Cytogenetic location: 17q24.2.
Variant type: single nucleotide variant.
Coding change: c.712G>A on transcript NM_001267727.2 (MANE Select); coding-DNA position 712, G replaced by A.
Protein change: p.Gly238Arg; replaces glycine 238 with arginine.
Molecular consequence: missense variant.
Genome position (GRCh38, 1-based): chr17:68,368,555, G>A. VCF-style: chr17-68368555-G-A. GRCh37 (hg19) VCF-style: chr17-66364696-G-A.
Other names: c.712G>A, p.Gly238Arg (NM_001352902.2, NM_001352910.2, NM_014960.5 and 3 more transcripts); c.709G>A, p.Gly237Arg (NM_001352903.2, NM_001352904.2, NM_001352905.2 and 2 more transcripts); c.664G>A, p.Gly222Arg (NM_001352909.2); short protein forms G238R, G222R, G237R.
Identifiers: ClinVar variation 858648 (VCV000858648.8), dbSNP rs760367177, ClinGen allele CA8728342.